The following is an entry in ClinVar:

ClinVar aggregate classification (germline): Benign/Likely benign. Review status: criteria provided, multiple submitters, no conflicts (2 of 4 stars). 3 submissions from 3 submitters: Benign (2); Likely benign (1). Last evaluated 2026-03-01.

Allele frequency attached by ClinVar (database versions not stated): gnomAD exomes 0.00004 and 0.00012; ExAC 0.00019; ESP Exome Variant Server 0.00026; TOPMed 0.00029; gnomAD 0.00032 and 0.00034; 1000 Genomes Project 0.00040; 1000 Genomes Project 30x 0.00047.
gnomAD v4.1: 101 of 1,551,478 alleles (0.0065%); highest among the groups gnomAD compares: African/African-American, 0.097%; no homozygotes.

Submissions (3):

CeGaT Center for Human Genetics Tuebingen
Classification: Likely benign. Last evaluated: 2026-03-01. Review status: criteria provided, single submitter. Criteria: CeGaT Center For Human Genetics Tuebingen Variant Classification Criteria Version 2. Collection method: clinical testing. Allele origin: germline. Affected: yes. Observed: 1 variant allele.
Comment: DEAF1: BP4, BP7

Labcorp Genetics (formerly Invitae), Labcorp
Classification: Benign. Last evaluated: 2025-12-30. Review status: criteria provided, single submitter. Criteria: Invitae Variant Classification Sherloc (09022015). Collection method: clinical testing. Allele origin: germline.

Breakthrough Genomics
Classification: Benign. Review status: criteria provided, single submitter. Criteria: ACMG Guidelines, 2015. Collection method: not provided. Allele origin: germline. Inheritance: Autosomal recessive inheritance. Affected: yes.

NM_021008.4(DEAF1):c.858C>T (p.Asp286=)

Gene: DEAF1 (DEAF1 transcription factor; minus strand). Cytogenetic location: 11p15.5.
Variant type: single nucleotide variant.
Coding change: c.858C>T on transcript NM_021008.4 (MANE Select); coding-DNA position 858, C replaced by T.
Protein change: p.Asp286=; no amino-acid change (aspartic acid 286 retained).
Molecular consequence: synonymous variant. On other transcripts: nonsense (1).
Genome position (GRCh38, 1-based): chr11:684,910, G>A on the plus strand (C>T on the coding strand, the complement: DEAF1 is on the minus strand). VCF-style: chr11-684910-G-A. GRCh37 (hg19) VCF-style: chr11-684910-G-A.
Other names: c.718C>T, p.Arg240Ter (NM_001293634.2); c.132C>T, p.Asp44= (NM_001367390.1); short protein forms R240*.
Identifiers: ClinVar variation 1607325 (VCV001607325.13), dbSNP rs140533922, ClinGen allele CA5786415.